The following is an entry in ClinVar:

NM_003718.5(CDK13):c.478_482delinsTGGGT (p.Gly160_Gly161delinsTrpVal)

Genes: CDK13 (cyclin dependent kinase 13; plus strand), LOC129998292 (ATAC-STARR-seq lymphoblastoid silent region 18115; plus strand). Cytogenetic location: 7p14.1.
Variant type: Indel.
Coding change: c.478_482delinsTGGGT on transcript NM_003718.5 (MANE Select); coding-DNA positions 478 to 482, GGGGG replaced by TGGGT.
Protein change: p.Gly160_Gly161delinsTrpVal.
Molecular consequence: missense variant.
Genome position (GRCh38, 1-based): chr7:39,951,119-39,951,123, GGGGG replaced by TGGGT. VCF-style: chr7-39951119-GGGGG-TGGGT. GRCh37 (hg19) VCF-style: chr7-39990718-GGGGG-TGGGT.
Other names: c.478_482delGGGGGinsTGGGT, p.Gly160_Gly161delinsTrpVal (NM_031267.4).
Identifiers: ClinVar variation 5018417 (VCV005018417.1).
Genomic context (GRCh38, chr7:39,951,119, plus strand): 5'-GTGACCCCGCTGGTGGAATACGAGGATGTGAGCTCCCAGTCCGAGCAGGGGCTGCTGCTG[GGGGG>TGGGT]GGCCAGCGCGGCAACGGCGGCGACGGCTGCCGGGGGAACGGGGGGCAGCGGCGGGAGTCC-3'

ClinVar aggregate classification (germline): Uncertain significance (1 of 4 stars; one submission).

Submission:

GeneDx
Classification: Uncertain significance. Last evaluated: 2026-04-12. Review status: criteria provided, single submitter. Criteria: GeneDx Variant Classification Process June 2021. Collection method: clinical testing. Allele origin: germline.
Comment: Not observed at significant frequency in large population cohorts (gnomAD); In silico analysis suggests that this variant does not alter protein structure/function; Has not been previously published as pathogenic or benign to our knowledge